The following is an entry in ClinVar:

ClinVar aggregate classification (germline): Uncertain significance (1 of 4 stars; one submission).

Allele frequency attached by ClinVar (database versions not stated): TOPMed below 0.00001; gnomAD 0.00001; ExAC 0.00012; 1000 Genomes Project 30x 0.00016; 1000 Genomes Project 0.00020.
gnomAD v4.1: 75 of 1,590,092 alleles (0.0047%); highest among the groups gnomAD compares: South Asian, 0.071%; 2 homozygotes.

Submission:

Labcorp Genetics (formerly Invitae), Labcorp
Classification: Uncertain significance. Last evaluated: 2025-12-08. Review status: criteria provided, single submitter. Criteria: Invitae Variant Classification Sherloc (09022015). Collection method: clinical testing. Allele origin: germline.
Comment: This sequence change replaces leucine, which is neutral and non-polar, with phenylalanine, which is neutral and non-polar, at codon 19 of the POLD2 protein (p.Leu19Phe). This variant is present in population databases (rs554668060, gnomAD 0.08%), and has an allele count higher than expected for a pathogenic variant. This variant has not been reported in the literature in individuals affected with POLD2-related conditions. ClinVar contains an entry for this variant (Variation ID: 2077943). An algorithm developed to predict the effect of missense changes on protein structure and function outputs the following: PolyPhen-2: "Not Available". The phenylalanine amino acid residue is found in multiple mammalian species, which suggests that this missense change does not adversely affect protein function. In summary, the available evidence is currently insufficient to determine the role of this variant in disease. Therefore, it has been classified as a Variant of Uncertain Significance.

NM_006230.4(POLD2):c.-51C>T

Gene: POLD2 (DNA polymerase delta 2, accessory subunit; minus strand). Cytogenetic location: 7p13.
Variant type: single nucleotide variant.
Coding change: c.-51C>T on transcript NM_006230.4 (MANE Select); 51 bases upstream of the start codon, C replaced by T.
Molecular consequence: 5 prime UTR variant.
Genome position (GRCh38, 1-based): chr7:44,122,104, G>A on the plus strand (C>T on the coding strand, the complement: POLD2 is on the minus strand). VCF-style: chr7-44122104-G-A. GRCh37 (hg19) VCF-style: chr7-44161703-G-A.
Other names: c.-51C>T (NM_001127218.3, NM_001256879.2).
Identifiers: ClinVar variation 2077943 (VCV002077943.4), dbSNP rs554668060, ClinGen allele CA4239007.